The following is an entry in ClinVar:

NM_000135.4(FANCA):c.2467A>T (p.Thr823Ser)

Gene: FANCA (FA complementation group A; minus strand). Cytogenetic location: 16q24.3.
Variant type: single nucleotide variant.
Coding change: c.2467A>T on transcript NM_000135.4 (MANE Select); coding-DNA position 2467, A replaced by T.
Protein change: p.Thr823Ser; replaces threonine 823 with serine.
Molecular consequence: missense variant.
Genome position (GRCh38, 1-based): chr16:89,769,874, T>A on the plus strand (A>T on the coding strand, the complement: FANCA is on the minus strand). VCF-style: chr16-89769874-T-A. GRCh37 (hg19) VCF-style: chr16-89836282-T-A.
Other names: c.2467A>T, p.Thr823Ser (NM_001286167.3); c.2467A>T (NM_000135.3); short protein forms T823S.
Identifiers: ClinVar variation 943370 (VCV000943370.6), dbSNP rs1292223325, ClinGen allele CA397443221.

ClinVar aggregate classification (germline): Uncertain significance. Review status: criteria provided, single submitter (1 of 4 stars). 2 submissions from 2 submitters: Uncertain significance (1). 1 of the submissions does not count toward it. Last evaluated 2021-10-04.

Conditions:
Fanconi anemia (FA). Also called: Fanconi's anemia. Identifiers: Orphanet 84, MedGen C0015625, MeSH D005199, MONDO:0019391.

Allele frequency attached by ClinVar (database versions not stated): gnomAD 0.00001.
gnomAD v4.1: 6 of 1,613,870 alleles (0.00037%); highest among the groups gnomAD compares: Non-Finnish European, 0.00042%; no homozygotes.

Submissions (2):

Labcorp Genetics (formerly Invitae), Labcorp
Classification: Uncertain significance for Fanconi anemia. Last evaluated: 2021-10-04. Review status: criteria provided, single submitter. Criteria: Invitae Variant Classification Sherloc (09022015). Collection method: clinical testing. Allele origin: germline.
Comment: This sequence change replaces threonine with serine at codon 823 of the FANCA protein (p.Thr823Ser). The threonine residue is moderately conserved and there is a small physicochemical difference between threonine and serine. This variant is not present in population databases (ExAC no frequency). This variant has not been reported in the literature in individuals affected with FANCA-related conditions. Algorithms developed to predict the effect of missense changes on protein structure and function output the following: SIFT: "Tolerated"; PolyPhen-2: "Benign"; Align-GVGD: "Class C0". The serine amino acid residue is found in multiple mammalian species, which suggests that this missense change does not adversely affect protein function. In summary, the available evidence is currently insufficient to determine the role of this variant in disease. Therefore, it has been classified as a Variant of Uncertain Significance.

Natera, Inc.
Classification: Uncertain significance for Fanconi anemia. Last evaluated: 2025-03-31. Review status: no assertion criteria provided. Collection method: clinical testing. Allele origin: germline. Not counted in ClinVar's aggregate classification.